The following is an entry in ClinVar:

ClinVar aggregate classification (germline): Uncertain significance (1 of 4 stars; one submission).

Submission:

GeneDx
Classification: Uncertain significance. Last evaluated: 2026-04-04. Review status: criteria provided, single submitter. Criteria: GeneDx Variant Classification Process June 2021. Collection method: clinical testing. Allele origin: germline.
Comment: Not observed at significant frequency in large population cohorts (gnomAD); In silico analysis supports that this missense variant has a deleterious effect on protein structure/function; Has not been previously published as pathogenic or benign to our knowledge

NM_002633.3(PGM1):c.917C>T (p.Pro306Leu)

Gene: PGM1 (phosphoglucomutase 1; plus strand). Cytogenetic location: 1p31.3.
Variant type: single nucleotide variant.
Coding change: c.917C>T on transcript NM_002633.3 (MANE Select); coding-DNA position 917, C replaced by T.
Protein change: p.Pro306Leu; replaces proline 306 with leucine.
Molecular consequence: missense variant.
Genome position (GRCh38, 1-based): chr1:63,636,277, C>T. VCF-style: chr1-63636277-C-T. GRCh37 (hg19) VCF-style: chr1-64101948-C-T.
Other names: c.971C>T, p.Pro324Leu (NM_001172818.1); c.326C>T, p.Pro109Leu (NM_001172819.2); short protein forms P109L, P306L, P324L.
Identifiers: ClinVar variation 5018048 (VCV005018048.1).
Genomic context (GRCh38, chr1:63,636,277, plus strand): 5'-CCTCTCTTCTCCCCAAGGATCGAAACATGATTCTGGGCAAGCATGGGTTCTTTGTGAACC[C>T]TTCAGACTCTGTGGCTGTCATTGCTGCCAACATCTTCAGCATTCCGTATTTCCAGCAGAC-3'
Protein context (NP_002624.2, residues 296-316): ILGKHGFFVN[Pro306Leu]SDSVAVIAAN